The following is an entry in ClinVar:

NM_000038.6(APC):c.432T>A (p.Leu144=)

Gene: APC (APC regulator of Wnt signaling pathway; plus strand). Cytogenetic location: 5q22.2.
Variant type: single nucleotide variant.
Coding change: c.432T>A on transcript NM_000038.6 (MANE Select); coding-DNA position 432, T replaced by A.
Protein change: p.Leu144=; no amino-acid change (leucine 144 retained).
Molecular consequence: synonymous variant. On other transcripts: 5 prime UTR variant (1).
Genome position (GRCh38, 1-based): chr5:112,775,638, T>A. VCF-style: chr5-112775638-T-A. GRCh37 (hg19) VCF-style: chr5-112111335-T-A.
Other names: c.432T>A, p.Leu144= (NM_001127510.3, NM_001354895.2, NM_001354896.2 and 2 more transcripts); c.462T>A, p.Leu154= (NM_001127511.3, NM_001354897.2, NM_001354902.2); c.357T>A, p.Leu119= (NM_001354898.2, NM_001354904.2); c.255T>A, p.Leu85= (NM_001354900.2, NM_001354901.2, NM_001354905.2); c.-604T>A (NM_001354906.2).
Identifiers: ClinVar variation 1665667 (VCV001665667.10), dbSNP rs2149614520, ClinGen allele CA445753018.
Genomic context (GRCh38, chr5:112,775,638, plus strand): 5'-GTCTTTATTAGCATTGTTTAAACGTACCTTTTTTTAAAAAAAAAAAAATAGGTCATTGCT[T>A]CTTGCTGATCTTGACAAAGAAGAAAAGGAAAAAGACTGGTATTACGCTCAACTTCAGAAT-3'
Protein context (NP_000029.2, residues 134-154): LEELEKERSL[Leu144=]LADLDKEEKE

ClinVar aggregate classification (germline): Benign/Likely benign. Review status: criteria provided, multiple submitters, no conflicts (2 of 4 stars). 3 submissions from 3 submitters: Benign (1); Likely benign (2). Last evaluated 2025-09-17.

Conditions:
Hereditary cancer-predisposing syndrome. Also called: Hereditary neoplastic syndrome; Neoplastic Syndromes, Hereditary; Tumor predisposition; Hereditary Cancer Syndrome. Identifiers: Orphanet 140162, MedGen C0027672, MeSH D009386, MONDO:0015356.
Familial adenomatous polyposis 1 (FAP1). Also called: FAMILIAL ADENOMATOUS POLYPOSIS 1, ATTENUATED; POLYPOSIS, ADENOMATOUS INTESTINAL. Identifiers: MedGen C2713442, MONDO:0021056, OMIM 175100. Disease mechanism: loss of function.

Submissions (3):

Labcorp Genetics (formerly Invitae), Labcorp
Classification: Likely benign for Familial adenomatous polyposis 1. Last evaluated: 2025-09-17. Review status: criteria provided, single submitter. Criteria: Invitae Variant Classification Sherloc (09022015). Collection method: clinical testing. Allele origin: germline.

Myriad Genetics, Inc.
Classification: Benign for Familial adenomatous polyposis 1. Last evaluated: 2024-02-23. Review status: criteria provided, single submitter. Criteria: Myriad Autosomal Dominant, Autosomal Recessive and X-Linked Classification Criteria (2023). Collection method: clinical testing. Allele origin: unknown.
Comment: This variant is considered benign. This variant is a silent/synonymous amino acid change and it is not expected to impact splicing.

Ambry Genetics
Classification: Likely benign for Hereditary cancer-predisposing syndrome. Last evaluated: 2015-10-29. Review status: criteria provided, single submitter. Criteria: Ambry Variant Classification Scheme 2023. Collection method: clinical testing. Allele origin: germline.